The following is an entry in ClinVar:

NM_000135.4(FANCA):c.3066+10A>T

Gene: FANCA (FA complementation group A; minus strand). Cytogenetic location: 16q24.3.
Variant type: single nucleotide variant.
Coding change: c.3066+10A>T on transcript NM_000135.4 (MANE Select); 10 bases into the intron after coding-DNA position 3066, A replaced by T.
Molecular consequence: intron variant.
Genome position (GRCh38, 1-based): chr16:89,752,128, T>A on the plus strand (A>T on the coding strand, the complement: FANCA is on the minus strand). VCF-style: chr16-89752128-T-A. GRCh37 (hg19) VCF-style: chr16-89818536-T-A.
Other names: c.3066+10A>T (NM_001286167.3, NM_000135.3).
Identifiers: ClinVar variation 1153362 (VCV001153362.10), dbSNP rs2143163210, ClinGen allele CA2499223859.

ClinVar aggregate classification (germline): Conflicting classifications of pathogenicity. Review status: criteria provided, conflicting classifications (1 of 4 stars). 2 submissions from 2 submitters: Uncertain significance (1); Likely benign (1). Last evaluated 2025-06-02.

Conditions:
Fanconi anemia (FA). Also called: Fanconi's anemia. Identifiers: Orphanet 84, MedGen C0015625, MeSH D005199, MONDO:0019391.

Submissions (2):

Quest Diagnostics Nichols Institute San Juan Capistrano
Classification: Uncertain significance. Last evaluated: 2025-06-02. Review status: criteria provided, single submitter. Criteria: Quest Diagnostics criteria. Collection method: clinical testing. Allele origin: unknown.
Comment: The FANCA c.3066+10A>T variant has not been reported in individuals with FANCA-related conditions in the published literature. It also has not been reported in large, multi-ethnic general populations (Genome Aggregation Database). Analysis of this variant using software algorithms for the prediction of the effect of nucleotide changes on splicing yielded predictions that this variant does not affect FANCA mRNA splicing. Based on the available information, we are unable to determine the clinical significance of this variant.

Labcorp Genetics (formerly Invitae), Labcorp
Classification: Likely benign for Fanconi anemia. Last evaluated: 2021-05-27. Review status: criteria provided, single submitter. Criteria: Invitae Variant Classification Sherloc (09022015). Collection method: clinical testing. Allele origin: germline.